The following is an entry in ClinVar:

NM_005876.5(SPEG):c.796C>T (p.Arg266Trp)

Gene: SPEG (striated muscle enriched protein kinase; plus strand). Cytogenetic location: 2q35.
Variant type: single nucleotide variant.
Coding change: c.796C>T on transcript NM_005876.5 (MANE Select); coding-DNA position 796, C replaced by T.
Protein change: p.Arg266Trp; replaces arginine 266 with tryptophan.
Molecular consequence: missense variant.
Genome position (GRCh38, 1-based): chr2:219,445,142, C>T. VCF-style: chr2-219445142-C-T. GRCh37 (hg19) VCF-style: chr2-220309864-C-T.
Other names: short protein forms R266W.
Identifiers: ClinVar variation 2415410 (VCV002415410.5), dbSNP rs752626494, ClinGen allele CA2125567.

ClinVar aggregate classification (germline): Uncertain significance. Review status: criteria provided, multiple submitters, no conflicts (2 of 4 stars). 2 submissions from 2 submitters: Uncertain significance (2). Last evaluated 2024-10-15.

Allele frequency attached by ClinVar (database versions not stated): gnomAD 0.00002; TOPMed 0.00003; ExAC 0.00006.
gnomAD v4.1: 42 of 1,578,954 alleles (0.0027%); highest among the groups gnomAD compares: Middle Eastern, 0.033%; no homozygotes.

Submissions (2):

Blueprint Genetics
Classification: Uncertain significance. Last evaluated: 2024-10-15. Review status: criteria provided, single submitter. Criteria: ACMG Guidelines, 2015. Collection method: clinical testing. Allele origin: germline.

Labcorp Genetics (formerly Invitae), Labcorp
Classification: Uncertain significance. Last evaluated: 2024-02-17. Review status: criteria provided, single submitter. Criteria: Invitae Variant Classification Sherloc (09022015). Collection method: clinical testing. Allele origin: germline.
Comment: This sequence change replaces arginine, which is basic and polar, with tryptophan, which is neutral and slightly polar, at codon 266 of the SPEG protein (p.Arg266Trp). This variant is present in population databases (rs752626494, gnomAD 0.003%). This variant has not been reported in the literature in individuals affected with SPEG-related conditions. ClinVar contains an entry for this variant (Variation ID: 2415410). An algorithm developed to predict the effect of missense changes on protein structure and function (PolyPhen-2) suggests that this variant is likely to be disruptive. In summary, the available evidence is currently insufficient to determine the role of this variant in disease. Therefore, it has been classified as a Variant of Uncertain Significance.